The following is an entry in ClinVar:

ClinVar aggregate classification (germline): Likely pathogenic (1 of 4 stars; one submission).

Conditions:
Early-infantile DEE. Also called: Early infantile epileptic encephalopathy; Early infantile epileptic encephalopathy with suppression bursts; Ohtahara syndrome. Identifiers: Orphanet 1934, MedGen C0393706, MONDO:0800491.

Submission:

Labcorp Genetics (formerly Invitae), Labcorp
Classification: Likely pathogenic for Early-infantile DEE. Last evaluated: 2025-08-31. Review status: criteria provided, single submitter. Criteria: Invitae Variant Classification Sherloc (09022015). Collection method: clinical testing. Allele origin: germline.
Comment: This sequence change replaces alanine, which is neutral and non-polar, with serine, which is neutral and polar, at codon 408 of the SCN8A protein (p.Ala408Ser). This variant is not present in population databases (gnomAD no frequency). This variant has not been reported in the literature in individuals affected with SCN8A-related conditions. ClinVar contains an entry for this variant (Variation ID: 2831124). Invitae Evidence Modeling of protein sequence and biophysical properties (such as structural, functional, and spatial information, amino acid conservation, physicochemical variation, residue mobility, and thermodynamic stability) indicates that this missense variant is expected to disrupt SCN8A protein function with a positive predictive value of 95%. This variant disrupts the p.Ala408 amino acid residue in SCN8A. Other variant(s) that disrupt this residue have been determined to be pathogenic (PMID: 26993267, 31026061). This suggests that this residue is clinically significant, and that variants that disrupt this residue are likely to be disease-causing. In summary, the currently available evidence indicates that the variant is pathogenic, but additional data are needed to prove that conclusively. Therefore, this variant has been classified as Likely Pathogenic.

Literature cited by the submitters: PubMed 26993267; PubMed 31026061.

NM_001330260.2(SCN8A):c.1222G>T (p.Ala408Ser)

Gene: SCN8A (sodium voltage-gated channel alpha subunit 8; plus strand). Cytogenetic location: 12q13.13.
Variant type: single nucleotide variant.
Coding change: c.1222G>T on transcript NM_001330260.2 (MANE Select); coding-DNA position 1222, G replaced by T.
Protein change: p.Ala408Ser; replaces alanine 408 with serine.
Molecular consequence: missense variant.
Genome position (GRCh38, 1-based): chr12:51,705,504, G>T. VCF-style: chr12-51705504-G-T. GRCh37 (hg19) VCF-style: chr12-52099288-G-T.
Other names: c.1222G>T, p.Ala408Ser (NM_001177984.3, NM_001369788.1, NM_014191.4); short protein forms A408S.
Identifiers: ClinVar variation 2831124 (VCV002831124.3), dbSNP rs2540184329, ClinGen allele CA385227953.